The following is an entry in ClinVar:

ClinVar aggregate classification (germline): Uncertain significance (1 of 4 stars; one submission).

Conditions:
Fanconi anemia (FA). Also called: Fanconi's anemia. Identifiers: Orphanet 84, MedGen C0015625, MeSH D005199, MONDO:0019391.

Allele frequency attached by ClinVar (database versions not stated): TOPMed below 0.00001.
gnomAD v4.1: 2 of 1,599,090 alleles (0.00013%); highest among the groups gnomAD compares: African/African-American, 0.0028%; no homozygotes.

Submission:

Labcorp Genetics (formerly Invitae), Labcorp
Classification: Uncertain significance for Fanconi anemia. Last evaluated: 2023-08-23. Review status: criteria provided, single submitter. Criteria: Invitae Variant Classification Sherloc (09022015). Collection method: clinical testing. Allele origin: germline.
Comment: This sequence change replaces leucine, which is neutral and non-polar, with valine, which is neutral and non-polar, at codon 313 of the FANCI protein (p.Leu313Val). In summary, the available evidence is currently insufficient to determine the role of this variant in disease. Therefore, it has been classified as a Variant of Uncertain Significance. Advanced modeling of protein sequence and biophysical properties (such as structural, functional, and spatial information, amino acid conservation, physicochemical variation, residue mobility, and thermodynamic stability) performed at Invitae indicates that this missense variant is not expected to disrupt FANCI protein function. This variant has not been reported in the literature in individuals affected with FANCI-related conditions. This variant is present in population databases (no rsID available, gnomAD 0.007%).

NM_001113378.2(FANCI):c.937C>G (p.Leu313Val)

Gene: FANCI (FA complementation group I; plus strand). Cytogenetic location: 15q26.1.
Variant type: single nucleotide variant.
Coding change: c.937C>G on transcript NM_001113378.2 (MANE Select); coding-DNA position 937, C replaced by G.
Protein change: p.Leu313Val; replaces leucine 313 with valine.
Molecular consequence: missense variant.
Genome position (GRCh38, 1-based): chr15:89,273,431, C>G. VCF-style: chr15-89273431-C-G. GRCh37 (hg19) VCF-style: chr15-89816662-C-G.
Other names: c.658C>G, p.Leu220Val (NM_001376910.1); c.937C>G, p.Leu313Val (NM_001376911.1, NM_018193.3); short protein forms L220V, L313V.
Identifiers: ClinVar variation 2850351 (VCV002850351.2), dbSNP rs1372561523, ClinGen allele CA393741398.
Genomic context (GRCh38, chr15:89,273,431, plus strand): 5'-TTCTAGGTAGGACAGCAAGGAGATTCCAATAATAACTTAAGTCCCTTCAGCATTGCTCTT[C>G]TTCTGTCTGTAACAAGAATACAAAGATTTCAGGACCAGGTATTTTTTTAAAATGCCATTT-3'
Protein context (NP_001106849.1, residues 303-323): NNLSPFSIAL[Leu313Val]LSVTRIQRFQ